The following is an entry in ClinVar:

NM_001876.4(CPT1A):c.1817G>A (p.Arg606His)

Gene: CPT1A (carnitine palmitoyltransferase 1A; minus strand). Cytogenetic location: 11q13.3.
Variant type: single nucleotide variant.
Coding change: c.1817G>A on transcript NM_001876.4 (MANE Select); coding-DNA position 1817, G replaced by A.
Protein change: p.Arg606His; replaces arginine 606 with histidine.
Molecular consequence: missense variant.
Genome position (GRCh38, 1-based): chr11:68,762,685, C>T on the plus strand (G>A on the coding strand, the complement: CPT1A is on the minus strand). VCF-style: chr11-68762685-C-T. GRCh37 (hg19) VCF-style: chr11-68530153-C-T.
Other names: c.1817G>A, p.Arg606His (NM_001031847.3); short protein forms R606H.
Identifiers: ClinVar variation 2074045 (VCV002074045.1), dbSNP rs778829699, ClinGen allele CA6152193.

ClinVar aggregate classification (germline): Uncertain significance (1 of 4 stars; one submission).

Conditions:
Carnitine palmitoyl transferase 1A deficiency. Also called: Carnitine palmitoyltransferase type I deficiency; CPT I DEFICIENCY; CPT DEFICIENCY, HEPATIC, TYPE I; Carnitine palmitoyltransferase 1A deficiency; CPT deficiency, hepatic, type IA. Identifiers: Orphanet 156, MedGen C1829703, MONDO:0009705, OMIM 255120.

Allele frequency attached by ClinVar (database versions not stated): ExAC 0.00001; gnomAD 0.00001; gnomAD exomes 0.00001; TOPMed 0.00002.
gnomAD v4.1: 19 of 1,613,886 alleles (0.0012%); highest among the groups gnomAD compares: African/African-American, 0.0027%; no homozygotes.

Submission:

Labcorp Genetics (formerly Invitae), Labcorp
Classification: Uncertain significance for Carnitine palmitoyl transferase 1A deficiency. Last evaluated: 2022-05-15. Review status: criteria provided, single submitter. Criteria: Invitae Variant Classification Sherloc (09022015). Collection method: clinical testing. Allele origin: germline.
Comment: This sequence change replaces arginine, which is basic and polar, with histidine, which is basic and polar, at codon 606 of the CPT1A protein (p.Arg606His). The frequency data for this variant in the population databases is considered unreliable, as metrics indicate poor data quality at this position in the gnomAD database. This variant has not been reported in the literature in individuals affected with CPT1A-related conditions. Algorithms developed to predict the effect of missense changes on protein structure and function are either unavailable or do not agree on the potential impact of this missense change (SIFT: "Deleterious"; PolyPhen-2: "Probably Damaging"; Align-GVGD: "Class C0"). In summary, the available evidence is currently insufficient to determine the role of this variant in disease. Therefore, it has been classified as a Variant of Uncertain Significance.